The following is an entry in ClinVar:

NM_000152.5(GAA):c.2597A>C (p.Glu866Ala)

Gene: GAA (alpha glucosidase; plus strand). Cytogenetic location: 17q25.3.
Variant type: single nucleotide variant.
Coding change: c.2597A>C on transcript NM_000152.5 (MANE Select); coding-DNA position 2597, A replaced by C.
Protein change: p.Glu866Ala; replaces glutamic acid 866 with alanine.
Molecular consequence: missense variant.
Genome position (GRCh38, 1-based): chr17:80,118,308, A>C. VCF-style: chr17-80118308-A-C. GRCh37 (hg19) VCF-style: chr17-78092107-A-C.
Other names: c.2597A>C, p.Glu866Ala (NM_001079803.3, NM_001079804.3); short protein forms E866A.
Identifiers: ClinVar variation 943435 (VCV000943435.16), dbSNP rs951742543, ClinGen allele CA401326319.

ClinVar aggregate classification (germline): Uncertain significance. Review status: criteria provided, multiple submitters, no conflicts (2 of 4 stars). 5 submissions from 5 submitters: Uncertain significance (4). 1 of the submissions does not count toward it. Last evaluated 2023-04-08.

Conditions:
Cardiovascular phenotype. Identifiers: MedGen CN230736.
Glycogen storage disease, type II (IOPD). Also called: Pompe Disease; CARDIOMEGALIA GLYCOGENICA DIFFUSA; POMPE DISEASE, INFANTILE-ONSET; GLYCOGEN STORAGE DISEASE II, INFANTILE-ONSET; ACID ALPHA-GLUCOSIDASE DEFICIENCY, INFANTILE-ONSET; GAA DEFICIENCY, INFANTILE-ONSET. Identifiers: Orphanet 365, MedGen C0017921, MONDO:0009290, OMIM 232300.

Submissions (5):

Ambry Genetics
Classification: Uncertain significance for Cardiovascular phenotype. Last evaluated: 2023-04-08. Review status: criteria provided, single submitter. Criteria: Ambry Variant Classification Scheme 2023. Collection method: clinical testing. Allele origin: germline.
Comment: The p.E866A variant (also known as c.2597A>C), located in coding exon 17 of the GAA gene, results from an A to C substitution at nucleotide position 2597. The glutamic acid at codon 866 is replaced by alanine, an amino acid with dissimilar properties. This amino acid position is conserved. In addition, this alteration is predicted to be tolerated by in silico analysis. Since supporting evidence is limited at this time, the clinical significance of this alteration remains unclear.

Revvity Omics, Revvity
Classification: Uncertain significance. Last evaluated: 2021-11-25. Review status: criteria provided, single submitter. Criteria: ACMG Guidelines, 2015. Collection method: clinical testing. Allele origin: germline.

Labcorp Genetics (formerly Invitae), Labcorp
Classification: Uncertain significance for Glycogen storage disease, type II. Last evaluated: 2021-08-28. Review status: criteria provided, single submitter. Criteria: Invitae Variant Classification Sherloc (09022015). Collection method: clinical testing. Allele origin: germline.
Comment: This sequence change replaces glutamic acid with alanine at codon 866 of the GAA protein (p.Glu866Ala). The glutamic acid residue is weakly conserved and there is a moderate physicochemical difference between glutamic acid and alanine. This variant is not present in population databases (ExAC no frequency). This variant has not been reported in the literature in individuals affected with GAA-related conditions. Algorithms developed to predict the effect of missense changes on protein structure and function (SIFT, PolyPhen-2, Align-GVGD) all suggest that this variant is likely to be tolerated. In summary, the available evidence is currently insufficient to determine the role of this variant in disease. Therefore, it has been classified as a Variant of Uncertain Significance.

Blueprint Genetics
Classification: Uncertain significance. Last evaluated: 2020-12-17. Review status: criteria provided, single submitter. Criteria: ACMG Guidelines, 2015. Collection method: clinical testing. Allele origin: germline.

Natera, Inc.
Classification: Uncertain significance for Glycogen storage disease type II. Last evaluated: 2021-09-13. Review status: no assertion criteria provided. Collection method: clinical testing. Allele origin: germline. Not counted in ClinVar's aggregate classification.